The following is an entry in ClinVar:

ClinVar aggregate classification (germline): Likely benign. Review status: criteria provided, multiple submitters, no conflicts (2 of 4 stars). 2 submissions from 2 submitters: Likely benign (2). Last evaluated 2025-03-23.

Conditions:
Peroxisome biogenesis disorder 11A (Zellweger). Also called: Peroxisome biogenesis disorder 11A. Identifiers: Orphanet 912, MedGen C3554000, MONDO:0013949, OMIM 614883.

Allele frequency attached by ClinVar (database versions not stated): gnomAD exomes below 0.00001; TOPMed below 0.00001.
gnomAD v4.1: 2 of 1,613,914 alleles (0.00012%); highest among the groups gnomAD compares: Non-Finnish European, 0.000085%; no homozygotes.

Submissions (2):

Labcorp Genetics (formerly Invitae), Labcorp
Classification: Likely benign for Peroxisome biogenesis disorder 11A (Zellweger). Last evaluated: 2025-03-23. Review status: criteria provided, single submitter. Criteria: Invitae Variant Classification Sherloc (09022015). Collection method: clinical testing. Allele origin: germline.

CeGaT Center for Human Genetics Tuebingen
Classification: Likely benign. Last evaluated: 2024-01-01. Review status: criteria provided, single submitter. Criteria: CeGaT Center For Human Genetics Tuebingen Variant Classification Criteria Version 2. Collection method: clinical testing. Allele origin: germline. Affected: yes. Observed: 1 variant allele.
Comment: PEX13: PM2:Supporting, BP4, BP7

NM_002618.4(PEX13):c.669T>C (p.Ala223=)

Gene: PEX13 (peroxisomal biogenesis factor 13; plus strand). Cytogenetic location: 2p15.
Variant type: single nucleotide variant.
Coding change: c.669T>C on transcript NM_002618.4 (MANE Select); coding-DNA position 669, T replaced by C.
Protein change: p.Ala223=; no amino-acid change (alanine 223 retained).
Molecular consequence: synonymous variant.
Genome position (GRCh38, 1-based): chr2:61,031,995, T>C. VCF-style: chr2-61031995-T-C. GRCh37 (hg19) VCF-style: chr2-61259130-T-C.
Identifiers: ClinVar variation 2127087 (VCV002127087.26), dbSNP rs1680459954, ClinGen allele CA426411786.